The following is an entry in ClinVar:

NM_000548.5(TSC2):c.2737A>G (p.Thr913Ala)

Gene: TSC2 (TSC complex subunit 2; plus strand). Cytogenetic location: 16p13.3.
Variant type: single nucleotide variant.
Coding change: c.2737A>G on transcript NM_000548.5 (MANE Select); coding-DNA position 2737, A replaced by G.
Protein change: p.Thr913Ala; replaces threonine 913 with alanine.
Molecular consequence: missense variant.
Genome position (GRCh38, 1-based): chr16:2,076,165, A>G. VCF-style: chr16-2076165-A-G. GRCh37 (hg19) VCF-style: chr16-2126166-A-G.
Other names: c.2737A>G, p.Thr913Ala (NM_001077183.3, NM_001114382.3, NM_001363528.2 and 6 more transcripts); c.2626A>G, p.Thr876Ala (NM_001318827.2, NM_001406670.1, NM_001406678.1); c.2590A>G, p.Thr864Ala (NM_001318829.2, NM_001406675.1, NM_001406676.1 and 1 more transcripts); c.2137A>G, p.Thr713Ala (NM_001318831.2, NM_001406680.1, NM_001406682.1 and 6 more transcripts); c.2770A>G, p.Thr924Ala (NM_001318832.2); c.2827A>G, p.Thr943Ala (NM_001406667.1, NM_001406668.1); c.2725A>G, p.Thr909Ala (NM_001406671.1, NM_001406673.1); c.2680A>G, p.Thr894Ala (NM_001406677.1); and 3 more; short protein forms T379A, T913A, T924A, T465A, T713A, T876A, T943A, T759A.
Identifiers: ClinVar variation 1795357 (VCV001795357.3), dbSNP rs772378578, ClinGen allele CA041080.

ClinVar aggregate classification (germline): Uncertain significance (1 of 4 stars; one submission).

Conditions:
Hereditary cancer-predisposing syndrome. Also called: Tumor predisposition; Hereditary Cancer Syndrome; Neoplastic Syndromes, Hereditary; Hereditary neoplastic syndrome. Identifiers: Orphanet 140162, MedGen C0027672, MeSH D009386, MONDO:0015356.

Allele frequency attached by ClinVar (database versions not stated): gnomAD exomes below 0.00001; ExAC 0.00001.
gnomAD v4.1: 2 of 1,612,988 alleles (0.00012%); highest among the groups gnomAD compares: South Asian, 0.0022%; no homozygotes.

Submission:

Ambry Genetics
Classification: Uncertain significance for Hereditary cancer-predisposing syndrome. Last evaluated: 2025-02-27. Review status: criteria provided, single submitter. Criteria: Ambry Variant Classification Scheme 2023. Collection method: clinical testing. Allele origin: germline.
Comment: The p.T913A variant (also known as c.2737A>G), located in coding exon 23 of the TSC2 gene, results from an A to G substitution at nucleotide position 2737. The threonine at codon 913 is replaced by alanine, an amino acid with similar properties. This amino acid position is conserved. In addition, this alteration is predicted to be deleterious by in silico analysis. Since supporting evidence is limited at this time, the clinical significance of this alteration remains unclear.